The following is an entry in ClinVar:

ClinVar aggregate classification (germline): Uncertain significance. Review status: criteria provided, multiple submitters, no conflicts (2 of 4 stars). 5 submissions from 5 submitters: Uncertain significance (4). 1 of the submissions does not count toward it. Last evaluated 2025-09-23.

Conditions:
Autosomal recessive limb-girdle muscular dystrophy type 2A (LGMDR1). Also called: Limb-girdle muscular dystrophy, type 2A; Muscular dystrophy, limb-girdle, type 2A, Amish; LEYDEN-MOEBIUS MUSCULAR DYSTROPHY; MUSCULAR DYSTROPHY, PELVOFEMORAL; Calpainopathy. Identifiers: Orphanet 267, MedGen C1869123, MONDO:0009675, OMIM 253600. Disease mechanism: loss of function.
Inborn genetic diseases. Identifiers: MedGen C0950123, MeSH D030342.

Allele frequency attached by ClinVar (database versions not stated): gnomAD exomes 0.00002; TOPMed 0.00002; ExAC 0.00003; gnomAD 0.00003 and 0.00004.
gnomAD v4.1: 26 of 1,613,762 alleles (0.0016%); highest among the groups gnomAD compares: East Asian, 0.011%; no homozygotes.

Submissions (5):

Labcorp Genetics (formerly Invitae), Labcorp
Classification: Uncertain significance for Autosomal recessive limb-girdle muscular dystrophy type 2A. Last evaluated: 2025-09-23. Review status: criteria provided, single submitter. Criteria: Invitae Variant Classification Sherloc (09022015). Collection method: clinical testing. Allele origin: germline.
Comment: This sequence change replaces valine, which is neutral and non-polar, with isoleucine, which is neutral and non-polar, at codon 787 of the CAPN3 protein (p.Val787Ile). This variant is present in population databases (rs755736723, gnomAD 0.02%). This variant has not been reported in the literature in individuals affected with CAPN3-related conditions. ClinVar contains an entry for this variant (Variation ID: 594967). Invitae Evidence Modeling of protein sequence and biophysical properties (such as structural, functional, and spatial information, amino acid conservation, physicochemical variation, residue mobility, and thermodynamic stability) indicates that this missense variant is not expected to disrupt CAPN3 protein function with a negative predictive value of 80%. In summary, the available evidence is currently insufficient to determine the role of this variant in disease. Therefore, it has been classified as a Variant of Uncertain Significance.

Ambry Genetics
Classification: Uncertain significance for Inborn genetic diseases. Last evaluated: 2025-02-12. Review status: criteria provided, single submitter. Criteria: Ambry Variant Classification Scheme 2023. Collection method: clinical testing. Allele origin: germline.

Revvity Omics, Revvity
Classification: Uncertain significance. Last evaluated: 2021-05-21. Review status: criteria provided, single submitter. Criteria: ACMG Guidelines, 2015. Collection method: clinical testing. Allele origin: germline.

Eurofins Ntd Llc (ga)
Classification: Uncertain significance. Last evaluated: 2017-11-16. Review status: criteria provided, single submitter. Criteria: EGL Classification Definitions 2015. Collection method: clinical testing. Allele origin: germline. Observed: 1 variant allele, 1 heterozygote.

Natera, Inc.
Classification: Uncertain significance for Limb-girdle muscular dystrophy type 2A. Last evaluated: 2020-04-17. Review status: no assertion criteria provided. Collection method: clinical testing. Allele origin: germline. Not counted in ClinVar's aggregate classification.

NM_000070.3(CAPN3):c.2359G>A (p.Val787Ile)

Gene: CAPN3 (calpain 3; plus strand). Cytogenetic location: 15q15.1.
Variant type: single nucleotide variant.
Coding change: c.2359G>A on transcript NM_000070.3 (MANE Select); coding-DNA position 2359, G replaced by A.
Protein change: p.Val787Ile; replaces valine 787 with isoleucine.
Molecular consequence: missense variant.
Genome position (GRCh38, 1-based): chr15:42,410,979, G>A. VCF-style: chr15-42410979-G-A. GRCh37 (hg19) VCF-style: chr15-42703177-G-A.
Other names: c.2341G>A, p.Val781Ile (NM_024344.2); c.2083G>A, p.Val695Ile (NM_173087.2); c.823G>A, p.Val275Ile (NM_173088.2); c.364G>A, p.Val122Ile (NM_173089.2, NM_173090.2); c.2359G>A (NM_000070.2); short protein forms V787I, V781I, V695I, V122I, V275I.
Identifiers: ClinVar variation 594967 (VCV000594967.12), dbSNP rs755736723, ClinGen allele CA7511835.